The following is an entry in ClinVar:

ClinVar aggregate classification (germline): Uncertain significance. Review status: criteria provided, multiple submitters, no conflicts (2 of 4 stars). 3 submissions from 3 submitters: Uncertain significance (3). Last evaluated 2025-11-02.

Conditions:
Hereditary cancer-predisposing syndrome. Also called: Tumor predisposition; Hereditary Cancer Syndrome; Neoplastic Syndromes, Hereditary; Hereditary neoplastic syndrome. Identifiers: Orphanet 140162, MedGen C0027672, MeSH D009386, MONDO:0015356.
Gorlin syndrome. Also called: Basal cell nevus syndrome; Nevoid Basal Cell Carcinoma Syndrome. Identifiers: Orphanet 377, MedGen C0004779, MONDO:0007187.

Submissions (3):

Labcorp Genetics (formerly Invitae), Labcorp
Classification: Uncertain significance for Gorlin syndrome. Last evaluated: 2025-11-02. Review status: criteria provided, single submitter. Criteria: Invitae Variant Classification Sherloc (09022015). Collection method: clinical testing. Allele origin: germline.
Comment: This variant, c.52_57dup, results in the insertion of 2 amino acid(s) of the PTCH1 protein (p.Ser18_Gly19dup), but otherwise preserves the integrity of the reading frame. This variant is not present in population databases (gnomAD no frequency). This variant has not been reported in the literature in individuals affected with PTCH1-related conditions. ClinVar contains an entry for this variant (Variation ID: 453897). Experimental studies and prediction algorithms are not available or were not evaluated, and the functional significance of this variant is currently unknown. In summary, the available evidence is currently insufficient to determine the role of this variant in disease. Therefore, it has been classified as a Variant of Uncertain Significance.

Ambry Genetics
Classification: Uncertain significance for Hereditary cancer-predisposing syndrome. Last evaluated: 2025-10-28. Review status: criteria provided, single submitter. Criteria: Ambry Variant Classification Scheme 2023. Collection method: clinical testing. Allele origin: germline.
Comment: The c.52_57dupAGCGGC variant (also known as p.S18_G19dup), located in coding exon 1 of the PTCH1 gene, results from an in-frame duplication of AGCGGC at nucleotide positions 52 to 57. This results in the duplication of 2 residues (SG) at codons 18 and 19. This amino acid region is not well conserved in available vertebrate species. In addition, this variant is predicted to be neutral by in silico analysis (Choi Y et al. PLoS ONE. 2012; 7(10):e46688). Based on the available evidence, the clinical significance of this variant remains unclear.

Sema4
Classification: Uncertain significance for Hereditary cancer-predisposing syndrome. Last evaluated: 2021-10-06. Review status: criteria provided, single submitter. Criteria: Sema4 Curation Guidelines. Collection method: curation. Allele origin: germline.
Comment: The PTCH1 c.52_57dup (p.S18_G19dup) variant has not been reported in the literature to our knowledge. This duplication variant inserts two amino acids in a not conserved region of PTCH1 protein without altering the integrity of reading frame. Functional studies and prediction algorithms are not available for this insertion, and the functional impact of this variant is unknown. This variant is not reported in the population database Genome Aggregation Database (PMID: 32461654). The variant has been reported in ClinVar (Variation ID: 453897). The evidence is insufficient to meet ACMG/AMP criteria for classifying the variant as benign or pathogenic. Thus, the clinical significance of this variant is currently uncertain.

NM_000264.5(PTCH1):c.52_57dup (p.Ser18_Gly19dup)

Genes: PTCH1 (patched 1; minus strand), LOC130002133 (ATAC-STARR-seq lymphoblastoid silent region 20071; plus strand). Cytogenetic location: 9q22.32.
Variant type: Duplication.
Coding change: c.52_57dup on transcript NM_000264.5 (MANE Select); coding-DNA positions 52 to 57, 6 bases duplicated (AGCGGC; older notation c.52_57dupAGCGGC).
Protein change: p.Ser18_Gly19dup.
Molecular consequence: inframe insertion. On other transcripts: non-coding transcript variant (1), intron variant (3).
Genome position (GRCh38, 1-based): chr9:95,508,305-95,508,310, GCCGCT duplicated on the plus strand (AGCGGC on the coding strand, the reverse complement: PTCH1 is on the minus strand); duplicating any 6 consecutive bases within chr9:95,508,305-95,508,315 gives the same sequence; the c. name uses the placement nearest the transcript's 3' end. VCF-style (leftmost placement, unchanged base first): chr9-95508304-A-AGCCGCT. GRCh37 (hg19) VCF-style: chr9-98270586-A-AGCCGCT.
Other names: c.52_57dupAGCGGC (NM_000264.3); c.52_57dup, p.Ser18_Gly19dup (NM_001354918.2); c.199-1711_199-1706dup (NM_001083603.3); c.4-1711_4-1706dup (NM_001083602.3, NM_001354919.2).
Identifiers: ClinVar variation 453897 (VCV000453897.13), dbSNP rs1554709549, ClinGen allele CA658657875.